The following is an entry in ClinVar:

ClinVar aggregate classification (germline): Uncertain significance (1 of 4 stars; one submission).

Allele frequency attached by ClinVar (database versions not stated): gnomAD exomes below 0.00001.
gnomAD v4.1: 1 of 1,614,256 alleles (0.000062%); highest among the groups gnomAD compares: South Asian, 0.0011%; no homozygotes.

Submission:

GeneDx
Classification: Uncertain significance. Last evaluated: 2023-03-14. Review status: criteria provided, single submitter. Criteria: GeneDx Variant Classification Process June 2021. Collection method: clinical testing. Allele origin: germline. Affected: yes.
Comment: Has not been previously published as pathogenic or benign to our knowledge; Not observed at significant frequency in large population cohorts (gnomAD); In silico analysis supports that this missense variant does not alter protein structure/function; This variant is associated with the following publications: (PMID: 27535533)

NM_003239.5(TGFB3):c.428G>C (p.Arg143Thr)

Gene: TGFB3 (transforming growth factor beta 3; minus strand). Cytogenetic location: 14q24.3.
Variant type: single nucleotide variant.
Coding change: c.428G>C on transcript NM_003239.5 (MANE Select); coding-DNA position 428, G replaced by C.
Protein change: p.Arg143Thr; replaces arginine 143 with threonine.
Molecular consequence: missense variant.
Genome position (GRCh38, 1-based): chr14:75,971,643, C>G on the plus strand (G>C on the coding strand, the complement: TGFB3 is on the minus strand). VCF-style: chr14-75971643-C-G. GRCh37 (hg19) VCF-style: chr14-76437986-C-G.
Other names: c.428G>C, p.Arg143Thr (NM_001329938.2, NM_001329939.2); short protein forms R143T.
Identifiers: ClinVar variation 2444603 (VCV002444603.1), dbSNP rs532403511, ClinGen allele CA390470121.